The following is an entry in ClinVar:

NM_001127208.3(TET2):c.426C>T (p.Ser142=)

Genes: TET2 (tet methylcytosine dioxygenase 2; plus strand), TET2-AS1 (TET2 antisense RNA 1; minus strand). Cytogenetic location: 4q24.
Variant type: single nucleotide variant.
Coding change: c.426C>T on transcript NM_001127208.3 (MANE Select); coding-DNA position 426, C replaced by T.
Protein change: p.Ser142=; no amino-acid change (serine 142 retained).
Molecular consequence: synonymous variant.
Genome position (GRCh38, 1-based): chr4:105,234,368, C>T. VCF-style: chr4-105234368-C-T. GRCh37 (hg19) VCF-style: chr4-106155525-C-T.
Other names: c.426C>T, p.Ser142= (NM_017628.4).
Identifiers: ClinVar variation 2654997 (VCV002654997.28), dbSNP rs540228872, ClinGen allele CA3031494.
Genomic context (GRCh38, chr4:105,234,368, plus strand): 5'-ACGTAACTTCGGGGTAAGCCAAGAAAGAAATCCAGGTGAAAGCAGTCAACCAAATGTCTC[C>T]GATTTGAGTGATAAGAAAGAATCTGTGAGTTCTGTAGCCCAAGAAAATGCAGTTAAAGAT-3'
Protein context (NP_001120680.1, residues 132-152): NPGESSQPNV[Ser142=]DLSDKKESVS

ClinVar aggregate classification (germline): Likely benign. Review status: criteria provided, multiple submitters, no conflicts (2 of 4 stars). 3 submissions from 3 submitters: Likely benign (3). Last evaluated 2025-06-17.

Allele frequency attached by ClinVar (database versions not stated): gnomAD 0.00006; TOPMed 0.00007; 1000 Genomes Project 30x 0.00016; 1000 Genomes Project 0.00020.
gnomAD v4.1: 100 of 1,613,952 alleles (0.0062%); highest among the groups gnomAD compares: Non-Finnish European, 0.0075%; no homozygotes.

Submissions (3):

Labcorp Genetics (formerly Invitae), Labcorp
Classification: Likely benign. Last evaluated: 2025-06-17. Review status: criteria provided, single submitter. Criteria: Invitae Variant Classification Sherloc (09022015). Collection method: clinical testing. Allele origin: germline.

Ambry Genetics
Classification: Likely benign. Last evaluated: 2024-11-21. Review status: criteria provided, single submitter. Criteria: Ambry Variant Classification Scheme 2023. Collection method: clinical testing. Allele origin: germline.

CeGaT Center for Human Genetics Tuebingen
Classification: Likely benign. Last evaluated: 2022-10-01. Review status: criteria provided, single submitter. Criteria: CeGaT Center For Human Genetics Tuebingen Variant Classification Criteria Version 2. Collection method: clinical testing. Allele origin: germline. Affected: yes. Observed: 1 variant allele.
Comment: TET2: BP4, BP7